The following is an entry in ClinVar:

NM_001854.4(COL11A1):c.2951G>A (p.Arg984His)

Gene: COL11A1 (collagen type XI alpha 1 chain; minus strand). Cytogenetic location: 1p21.1.
Variant type: single nucleotide variant.
Coding change: c.2951G>A on transcript NM_001854.4 (MANE Select); coding-DNA position 2951, G replaced by A.
Protein change: p.Arg984His; replaces arginine 984 with histidine.
Molecular consequence: missense variant. On other transcripts: non-coding transcript variant (1).
Genome position (GRCh38, 1-based): chr1:102,962,726, C>T on the plus strand (G>A on the coding strand, the complement: COL11A1 is on the minus strand). VCF-style: chr1-102962726-C-T. GRCh37 (hg19) VCF-style: chr1-103428282-C-T.
Other names: c.2834G>A, p.Arg945His (NM_001190709.2); c.2987G>A, p.Arg996His (NM_080629.3); c.2603G>A, p.Arg868His (NM_080630.4); short protein forms R868H, R945H, R984H, R996H.
Identifiers: ClinVar variation 1693331 (VCV001693331.7), dbSNP rs147271219, ClinGen allele CA27694325.

ClinVar aggregate classification (germline): Conflicting classifications of pathogenicity. Review status: criteria provided, conflicting classifications (1 of 4 stars). 2 submissions from 2 submitters: Uncertain significance (1); Benign (1). Last evaluated 2025-10-18.

Allele frequency attached by ClinVar (database versions not stated): gnomAD 0.00001; gnomAD exomes 0.00001 and 0.00002; TOPMed 0.00001; ESP Exome Variant Server 0.00008.
gnomAD v4.1: 16 of 1,614,002 alleles (0.00099%); highest among the groups gnomAD compares: African/African-American, 0.004%; no homozygotes.

Submissions (2):

Labcorp Genetics (formerly Invitae), Labcorp
Classification: Benign. Last evaluated: 2025-10-18. Review status: criteria provided, single submitter. Criteria: Invitae Variant Classification Sherloc (09022015). Collection method: clinical testing. Allele origin: germline.

GeneDx
Classification: Uncertain significance. Last evaluated: 2021-12-30. Review status: criteria provided, single submitter. Criteria: GeneDx Variant Classification Process June 2021. Collection method: clinical testing. Allele origin: germline. Affected: yes.
Comment: Not observed at significant frequency in large population cohorts (gnomAD); In silico analysis supports that this missense variant has a deleterious effect on protein structure/function; Occurs in the triple helical domain at the Y position in the canonical Gly-X-Y repeat; although this variant may have an effect on normal protein folding and function, missense substitution at the Y position is not a common mechanism of disease (HGMD); Has not been previously published as pathogenic or benign to our knowledge